The following is an entry in ClinVar:

NM_016955.4(SEPSECS):c.1444G>T (p.Glu482Ter)

Gene: SEPSECS (Sep (O-phosphoserine) tRNA:Sec (selenocysteine) tRNA synthase; minus strand). Cytogenetic location: 4p15.2.
Variant type: single nucleotide variant.
Coding change: c.1444G>T on transcript NM_016955.4 (MANE Select); coding-DNA position 1444, G replaced by T.
Protein change: p.Glu482Ter; replaces glutamic acid 482 with a stop codon.
Molecular consequence: nonsense.
Genome position (GRCh38, 1-based): chr4:25,123,993, C>A on the plus strand (G>T on the coding strand, the complement: SEPSECS is on the minus strand). VCF-style: chr4-25123993-C-A. GRCh37 (hg19) VCF-style: chr4-25125615-C-A.
Other names: c.1699G>T, p.Glu567Ter (NM_001410714.1); short protein forms E482*, E567*.
Identifiers: ClinVar variation 4815889 (VCV004815889.2).

ClinVar aggregate classification (germline): Conflicting classifications of pathogenicity. Review status: criteria provided, conflicting classifications (1 of 4 stars). 2 submissions from 2 submitters: Likely pathogenic (1); Uncertain significance (1). Last evaluated 2025-10-22.

Conditions:
Pontocerebellar hypoplasia type 2D (PCH2D). Also called: Progressive cerebello-cerebral atrophy. Identifiers: Orphanet 247198, Orphanet 2524, MedGen C3151140, MONDO:0013438, OMIM 613811.

gnomAD v4.1: 2 of 1,613,438 alleles (0.00012%); highest among the groups gnomAD compares: African/African-American, 0.0013%; no homozygotes.

Submissions (2):

Myriad Genetics, Inc.
Classification: Uncertain significance for Pontocerebellar hypoplasia type 2D. Last evaluated: 2025-10-22. Review status: criteria provided, single submitter. Criteria: Myriad Autosomal Dominant, Autosomal Recessive and X-Linked Classification Criteria (2023). Collection method: clinical testing. Allele origin: unknown.
Comment: NM_016955.3(SEPSECS):c.1444G>T(E482*) is a nonsense variant classified as a variant of uncertain significance in the context of pontocerebellar hypoplasia, SEPSECS-related. E482* has not been observed in cases with relevant disease. Relevant functional assessments of this variant are not available in the literature. E482* has been observed in referenced population frequency databases. In summary, there is insufficient evidence to classify NM_016955.3(SEPSECS):c.1444G>T(E482*) as pathogenic or benign. Please note: this variant was assessed in the context of healthy population screening.

Natera, Inc.
Classification: Likely pathogenic for Pontocerebellar hypoplasia type 2d. Last evaluated: 2025-06-23. Review status: criteria provided, single submitter. Criteria: Natera Variant Classification Schema (03/2026). Collection method: clinical testing. Allele origin: germline.
Comment: The c.1444G>T variant in SEPSECS is a nonsense variant predicted to introduce a stop codon at amino acid 482. This variant is expected to result in nonsense mediated decay, truncation, or a dysfunctional protein product. This variant is rare in the general population with a frequency below the threshold expected for the associated phenotype(s). Given the available evidence, this variant is classified as Likely Pathogenic.